The following is an entry in ClinVar:

NM_000189.5(HK2):c.753T>C (p.Asp251=)

Gene: HK2 (hexokinase 2; plus strand). Cytogenetic location: 2p12.
Variant type: single nucleotide variant.
Coding change: c.753T>C on transcript NM_000189.5 (MANE Select); coding-DNA position 753, T replaced by C.
Protein change: p.Asp251=; no amino-acid change (aspartic acid 251 retained).
Molecular consequence: synonymous variant.
Genome position (GRCh38, 1-based): chr2:74,874,327, T>C. VCF-style: chr2-74874327-T-C. GRCh37 (hg19) VCF-style: chr2-75101454-T-C.
Other names: c.669T>C, p.Asp223= (NM_001371525.2).
Identifiers: ClinVar variation 3059165 (VCV003059165.2), dbSNP rs2229622, ClinGen allele CA1731203.

ClinVar aggregate classification (germline): Benign (0 of 4 stars; one submission).

Conditions:
HK2-related disorder. Also called: HK2-related condition.

Allele frequency attached by ClinVar (database versions not stated): TOPMed 0.30372; 1000 Genomes Project 30x 0.32370; ExAC 0.23219; gnomAD 0.29806; ESP Exome Variant Server 0.30924; gnomAD exomes 0.20628; 1000 Genomes Project 0.31569.
gnomAD v4.1: 347,271 of 1,613,760 alleles (22%); highest among the groups gnomAD compares: African/African-American, 55%; 42,958 homozygotes.

Submission:

PreventionGenetics, part of Exact Sciences
Classification: Benign for HK2-related condition. Last evaluated: 2019-10-23. Review status: no assertion criteria provided. Collection method: clinical testing. Allele origin: germline.
Comment: This variant is classified as benign based on ACMG/AMP sequence variant interpretation guidelines (Richards et al. 2015 PMID: 25741868, with internal and published modifications).